The following is an entry in ClinVar:

ClinVar aggregate classification (germline): Uncertain significance (1 of 4 stars; one submission).

Conditions:
Facioscapulohumeral muscular dystrophy 2 (FSHD2). Also called: MUSCULAR DYSTROPHY, FACIOSCAPULOHUMERAL, TYPE 1B; FACIOSCAPULOHUMERAL MUSCULAR DYSTROPHY 2, DIGENIC; FSHD2, DIGENIC. Identifiers: Orphanet 269, MedGen C1834671, MONDO:0008031, OMIM 158901.

Allele frequency attached by ClinVar (database versions not stated): gnomAD exomes below 0.00001 and 0.00002; gnomAD 0.00001; ExAC 0.00002.

Submission:

Labcorp Genetics (formerly Invitae), Labcorp
Classification: Uncertain significance for Facioscapulohumeral muscular dystrophy 2. Last evaluated: 2022-06-04. Review status: criteria provided, single submitter. Criteria: Invitae Variant Classification Sherloc (09022015). Collection method: clinical testing. Allele origin: germline.
Comment: ClinVar contains an entry for this variant (Variation ID: 846558). In summary, the available evidence is currently insufficient to determine the role of this variant in disease. Therefore, it has been classified as a Variant of Uncertain Significance. Variants that disrupt the consensus splice site are a relatively common cause of aberrant splicing (PMID: 17576681, 9536098). Algorithms developed to predict the effect of sequence changes on RNA splicing suggest that this variant is not likely to affect RNA splicing. This variant has not been reported in the literature in individuals affected with SMCHD1-related conditions. This variant is present in population databases (rs780935342, gnomAD 0.03%). This sequence change falls in intron 31 of the SMCHD1 gene. It does not directly change the encoded amino acid sequence of the SMCHD1 protein. It affects a nucleotide within the consensus splice site.

Literature cited by the submitters: PubMed 17576681; PubMed 9536098.

NM_015295.3(SMCHD1):c.4008-3T>C

Gene: SMCHD1 (structural maintenance of chromosomes flexible hinge domain containing 1; plus strand). Cytogenetic location: 18p11.32.
Variant type: single nucleotide variant.
Coding change: c.4008-3T>C on transcript NM_015295.3 (MANE Select); 3 bases into the intron before coding-DNA position 4008, T replaced by C.
Molecular consequence: intron variant.
Genome position (GRCh38, 1-based): chr18:2,750,347, T>C. VCF-style: chr18-2750347-T-C. GRCh37 (hg19) VCF-style: chr18-2750345-T-C.
Identifiers: ClinVar variation 846558 (VCV000846558.9), dbSNP rs780935342, ClinGen allele CA8871369.